The following is an entry in ClinVar:

NM_005033.3(EXOSC9):c.843G>C (p.Lys281Asn)

Gene: EXOSC9 (exosome component 9; plus strand). Cytogenetic location: 4q27.
Variant type: single nucleotide variant.
Coding change: c.843G>C on transcript NM_005033.3 (MANE Select); coding-DNA position 843, G replaced by C.
Protein change: p.Lys281Asn; replaces lysine 281 with asparagine.
Molecular consequence: missense variant.
Genome position (GRCh38, 1-based): chr4:121,813,249, G>C. VCF-style: chr4-121813249-G-C. GRCh37 (hg19) VCF-style: chr4-122734404-G-C.
Other names: c.843G>C, p.Lys281Asn (NM_001034194.2); short protein forms K281N.
Identifiers: ClinVar variation 1479196 (VCV001479196.5), dbSNP rs983426891, ClinGen allele CA104737964.

ClinVar aggregate classification (germline): Uncertain significance (1 of 4 stars; one submission).

Allele frequency attached by ClinVar (database versions not stated): gnomAD exomes 0.00001; gnomAD 0.00002; TOPMed 0.00002.
gnomAD v4.1: 12 of 1,608,776 alleles (0.00075%); highest among the groups gnomAD compares: Non-Finnish European, 0.001%; no homozygotes.

Submission:

Labcorp Genetics (formerly Invitae), Labcorp
Classification: Uncertain significance. Last evaluated: 2021-08-14. Review status: criteria provided, single submitter. Criteria: Invitae Variant Classification Sherloc (09022015). Collection method: clinical testing. Allele origin: germline.
Comment: This sequence change replaces lysine with asparagine at codon 281 of the EXOSC9 protein (p.Lys281Asn). The lysine residue is highly conserved and there is a moderate physicochemical difference between lysine and asparagine. This variant is not present in population databases (ExAC no frequency). This variant has not been reported in the literature in individuals affected with EXOSC9-related conditions. Algorithms developed to predict the effect of missense changes on protein structure and function (SIFT, PolyPhen-2, Align-GVGD) all suggest that this variant is likely to be disruptive. In summary, the available evidence is currently insufficient to determine the role of this variant in disease. Therefore, it has been classified as a Variant of Uncertain Significance.